The following is an entry in ClinVar:

ClinVar aggregate classification (germline): Uncertain significance. Review status: criteria provided, multiple submitters, no conflicts (2 of 4 stars). 3 submissions from 3 submitters: Uncertain significance (3). Last evaluated 2026-01-07.

Conditions:
Hereditary cancer-predisposing syndrome. Also called: Hereditary Cancer Syndrome; Neoplastic Syndromes, Hereditary; Tumor predisposition; Hereditary neoplastic syndrome. Identifiers: Orphanet 140162, MedGen C0027672, MeSH D009386, MONDO:0015356.
Neurofibromatosis, type 1 (NF1). Also called: Neurofibromatosis, type I; VON RECKLINGHAUSEN DISEASE; NEUROFIBROMATOSIS, TYPE I, SOMATIC; Peripheral type neurofibromatosis. Identifiers: Orphanet 636, MedGen C0027831, MONDO:0018975, OMIM 162200. Disease mechanism: loss of function.

Submissions (3):

Labcorp Genetics (formerly Invitae), Labcorp
Classification: Uncertain significance for Neurofibromatosis, type 1. Last evaluated: 2026-01-07. Review status: criteria provided, single submitter. Criteria: Invitae Variant Classification Sherloc (09022015). Collection method: clinical testing. Allele origin: germline.
Comment: This sequence change replaces glutamine, which is neutral and polar, with arginine, which is basic and polar, at codon 2595 of the NF1 protein (p.Gln2595Arg). This variant is not present in population databases (gnomAD no frequency). This variant has not been reported in the literature in individuals affected with NF1-related conditions. ClinVar contains an entry for this variant (Variation ID: 231702). Invitae Evidence Modeling of protein sequence and biophysical properties (such as structural, functional, and spatial information, amino acid conservation, physicochemical variation, residue mobility, and thermodynamic stability) indicates that this missense variant is expected to disrupt NF1 protein function with a positive predictive value of 95%. In summary, the available evidence is currently insufficient to determine the role of this variant in disease. Therefore, it has been classified as a Variant of Uncertain Significance.

Genome-Nilou Lab
Classification: Uncertain significance for Neurofibromatosis, type 1. Last evaluated: 2022-03-15. Review status: criteria provided, single submitter. Criteria: ACMG Guidelines, 2015. Collection method: clinical testing. Allele origin: germline. Affected: no.

Ambry Genetics
Classification: Uncertain significance for Hereditary cancer-predisposing syndrome. Last evaluated: 2015-04-27. Review status: criteria provided, single submitter. Criteria: Ambry Autosomal Dominant and X-Linked criteria (10/2015). Collection method: clinical testing. Allele origin: germline. Observed: 1 variant allele.
Comment: The p.Q2616R variant (also known as c.7847A>G), located in coding exon 53 of the NF1 gene, results from an A to G substitution at nucleotide position 7847. The glutamine at codon 2616 is replaced by arginine, an amino acid with highly similar properties. This variant was not reported in population based cohorts in the following databases: Database of Single Nucleotide Polymorphisms (dbSNP), NHLBI Exome Sequencing Project (ESP), and 1000 Genomes Project. In the ESP, this variant was not observed in 6503 samples (13006 alleles) with coverage at this position. <span style="font-family:arial,sans-serif; font-size:9pt">To date, this alteration has been detected with an allele frequency of approximately 0.002% (greater than 55000 alleles tested) in our clinical cohort. Based on protein <span style="font-family:arial,sans-serif; font-size:9pt">sequence alignment, this amino acid position is highly conserved in available vertebrate species. In addition, this alteration is predicted to be deleterious by in silico analysis.Since supporting evidence is limited at this time, the clinical significance of p.Q2616Rremains unclear.

NM_001042492.3(NF1):c.7847A>G (p.Gln2616Arg)

Gene: NF1 (neurofibromin 1; plus strand). Cytogenetic location: 17q11.2.
Variant type: single nucleotide variant.
Coding change: c.7847A>G on transcript NM_001042492.3 (MANE Select); coding-DNA position 7847, A replaced by G.
Protein change: p.Gln2616Arg; replaces glutamine 2616 with arginine.
Molecular consequence: missense variant.
Genome position (GRCh38, 1-based): chr17:31,357,068, A>G. VCF-style: chr17-31357068-A-G. GRCh37 (hg19) VCF-style: chr17-29684086-A-G.
Other names: c.7784A>G, p.Gln2595Arg (NM_000267.4); short protein forms Q2595R, Q2616R.
Identifiers: ClinVar variation 231702 (VCV000231702.11), dbSNP rs876659308, ClinGen allele CA10580425.